The following is an entry in ClinVar:

NM_006516.4(SLC2A1):c.1297G>A (p.Val433Ile)

Gene: SLC2A1 (solute carrier family 2 member 1; minus strand). Cytogenetic location: 1p34.2.
Variant type: single nucleotide variant.
Coding change: c.1297G>A on transcript NM_006516.4 (MANE Select); coding-DNA position 1297, G replaced by A.
Protein change: p.Val433Ile; replaces valine 433 with isoleucine.
Molecular consequence: missense variant.
Genome position (GRCh38, 1-based): chr1:42,927,223, C>T on the plus strand (G>A on the coding strand, the complement: SLC2A1 is on the minus strand). VCF-style: chr1-42927223-C-T. GRCh37 (hg19) VCF-style: chr1-43392894-C-T.
Other names: short protein forms V433I.
Identifiers: ClinVar variation 1203673 (VCV001203673.17), dbSNP rs200819771, ClinGen allele CA803289.

ClinVar aggregate classification (germline): Conflicting classifications of pathogenicity. Review status: criteria provided, conflicting classifications (1 of 4 stars). 9 submissions from 5 submitters: Uncertain significance (2); Likely benign (7). Last evaluated 2025-09-17.

Conditions:
Hereditary cryohydrocytosis with reduced stomatin. Also called: Stomatin-deficient cryohydrocytosis with neurologic defects; GLUT1 DEFICIENCY SYNDROME WITH PSEUDOHYPERKALEMIA AND HEMOLYSIS. Identifiers: Orphanet 168577, MedGen C1837206, MONDO:0012143, OMIM 608885.
Dystonia 9 (DYT9). Also called: CHOREOATHETOSIS, KINESIGENIC, WITH EPISODIC ATAXIA AND SPASTICITY. Identifiers: Orphanet 53583, MedGen C1832855, MONDO:0010983, OMIM 601042.
Epilepsy, idiopathic generalized, susceptibility to, 12 (EIG12). Identifiers: MedGen C3553859, MONDO:0013919, OMIM 614847.
Childhood onset GLUT1 deficiency syndrome 2. Also called: PAROXYSMAL EXERCISE-INDUCED DYSKINESIA WITH OR WITHOUT EPILEPSY AND/OR HEMOLYTIC ANEMIA; PAROXYSMAL EXERTION-INDUCED DYSTONIA WITH OR WITHOUT EPILEPSY AND/OR HEMOLYTIC ANEMIA; PED WITH OR WITHOUT EPILEPSY AND/OR HEMOLYTIC ANEMIA; GLUT1 deficiency syndrome 2; PxMD-SLC2A1; Exertion-induced paroxysmal dyskinesia. Identifiers: Orphanet 98811, MedGen C1842534, MONDO:0012805, OMIM 612126.
Encephalopathy due to GLUT1 deficiency. Also called: De Vivo disease; GLUT1 deficiency syndrome 1, infantile onset, severe; Classic Glucose Transporter Type 1 Deficiency Syndrome; GLUT1 deficiency syndrome 1; Glucose transporter protein syndrome; GLUCOSE TRANSPORT DEFECT, BLOOD-BRAIN BARRIER. Identifiers: Orphanet 71277, MedGen C4551966, MONDO:0011724, OMIM 606777.
GLUT1 deficiency syndrome 1, autosomal recessive. Identifiers: MedGen C3149117.
Inborn genetic diseases. Identifiers: MedGen C0950123, MeSH D030342.

Allele frequency attached by ClinVar (database versions not stated): ExAC 0.00001; gnomAD 0.00001; gnomAD exomes 0.00001; TOPMed 0.00001; 1000 Genomes Project 0.00020; 1000 Genomes Project 30x 0.00031.
gnomAD v4.1: 25 of 1,614,052 alleles (0.0015%); highest among the groups gnomAD compares: African/African-American, 0.0027%; no homozygotes.

Submissions (9):

Labcorp Genetics (formerly Invitae), Labcorp
Classification: Uncertain significance for GLUT1 deficiency syndrome 1, autosomal recessive. Last evaluated: 2025-09-17. Review status: criteria provided, single submitter. Criteria: Invitae Variant Classification Sherloc (09022015). Collection method: clinical testing. Allele origin: germline.
Comment: This sequence change replaces valine, which is neutral and non-polar, with isoleucine, which is neutral and non-polar, at codon 433 of the SLC2A1 protein (p.Val433Ile). This variant is present in population databases (rs200819771, gnomAD 0.004%). This variant has not been reported in the literature in individuals affected with SLC2A1-related conditions. ClinVar contains an entry for this variant (Variation ID: 1203673). Invitae Evidence Modeling of protein sequence and biophysical properties (such as structural, functional, and spatial information, amino acid conservation, physicochemical variation, residue mobility, and thermodynamic stability) has been performed for this missense variant. However, the output from this modeling did not meet the statistical confidence thresholds required to predict the impact of this variant on SLC2A1 protein function. In summary, the available evidence is currently insufficient to determine the role of this variant in disease. Therefore, it has been classified as a Variant of Uncertain Significance.

CeGaT Center for Human Genetics Tuebingen
Classification: Uncertain significance. Last evaluated: 2025-07-01. Review status: criteria provided, single submitter. Criteria: CeGaT Center For Human Genetics Tuebingen Variant Classification Criteria Version 2. Collection method: clinical testing. Allele origin: germline. Affected: yes. Observed: 1 variant allele.
Comment: SLC2A1: PM2

Ambry Genetics
Classification: Likely benign for Inborn genetic diseases. Last evaluated: 2023-06-05. Review status: criteria provided, single submitter. Criteria: Ambry Variant Classification Scheme 2023. Collection method: clinical testing. Allele origin: germline.

Genome-Nilou Lab
Classification: Likely benign for Epilepsy, idiopathic generalized, susceptibility to, 12. Last evaluated: 2023-04-11. Review status: criteria provided, single submitter. Criteria: ACMG Guidelines, 2015. Collection method: clinical testing. Allele origin: germline. Affected: no.

Genome-Nilou Lab
Classification: Likely benign for Dystonia 9. Last evaluated: 2023-04-11. Review status: criteria provided, single submitter. Criteria: ACMG Guidelines, 2015. Collection method: clinical testing. Allele origin: germline. Affected: no.

Genome-Nilou Lab
Classification: Likely benign for Encephalopathy due to GLUT1 deficiency. Last evaluated: 2023-04-11. Review status: criteria provided, single submitter. Criteria: ACMG Guidelines, 2015. Collection method: clinical testing. Allele origin: germline. Affected: no.

Genome-Nilou Lab
Classification: Likely benign for Childhood onset GLUT1 deficiency syndrome 2. Last evaluated: 2023-04-11. Review status: criteria provided, single submitter. Criteria: ACMG Guidelines, 2015. Collection method: clinical testing. Allele origin: germline. Affected: no.

Genome-Nilou Lab
Classification: Likely benign for Hereditary cryohydrocytosis with reduced stomatin. Last evaluated: 2023-04-11. Review status: criteria provided, single submitter. Criteria: ACMG Guidelines, 2015. Collection method: clinical testing. Allele origin: germline. Affected: no.

GeneDx
Classification: Likely benign. Last evaluated: 2020-08-26. Review status: criteria provided, single submitter. Criteria: GeneDx Variant Classification Process June 2021. Collection method: clinical testing. Allele origin: germline. Affected: yes.